The following is an entry in ClinVar:

ClinVar aggregate classification (germline): Conflicting classifications of pathogenicity. Review status: criteria provided, conflicting classifications (1 of 4 stars). 5 submissions from 5 submitters: Uncertain significance (1); Likely benign (4). Last evaluated 2026-01-17.

Conditions:
Familial sleep-related hypermotor epilepsy. Also called: Autosomal Dominant Sleep-Related Hypermotor (Hyperkinetic) Epilepsy. Identifiers: Orphanet 98784, MedGen C3696898, MONDO:0000030.
CHRNA4-related disorder. Also called: CHRNA4-related condition.
Inborn genetic diseases. Identifiers: MedGen C0950123, MeSH D030342.
Autosomal dominant nocturnal frontal lobe epilepsy 1. Also called: EPILEPSY, NOCTURNAL FRONTAL LOBE, TYPE 1; CHRNA4-Related Nocturnal Frontal Lobe Epilepsy, Autosomal Dominant. Identifiers: Orphanet 98784, MedGen C1838049, MONDO:0010899, OMIM 600513.

Allele frequency attached by ClinVar (database versions not stated): gnomAD exomes below 0.00001; gnomAD 0.00021 and 0.00023; TOPMed 0.00052.

Submissions (5):

Labcorp Genetics (formerly Invitae), Labcorp
Classification: Likely benign. Last evaluated: 2026-01-17. Review status: criteria provided, single submitter. Criteria: Invitae Variant Classification Sherloc (09022015). Collection method: clinical testing. Allele origin: germline.

PreventionGenetics, part of Exact Sciences
Classification: Likely benign for CHRNA4-related condition. Last evaluated: 2025-10-02. Review status: criteria provided, single submitter. Criteria: ACMG Guidelines, 2015. Collection method: clinical testing. Allele origin: germline.
Comment: This variant is classified as likely benign based on ACMG/AMP sequence variant interpretation guidelines (Richards et al. 2015 PMID: 25741868, with internal and published modifications).

GeneDx
Classification: Likely benign. Last evaluated: 2020-12-09. Review status: criteria provided, single submitter. Criteria: GeneDx Variant Classification Process June 2021. Collection method: clinical testing. Allele origin: germline. Affected: yes.

New York Genome Center
Classification: Uncertain significance for Autosomal dominant nocturnal frontal lobe epilepsy 1. Last evaluated: 2019-11-12. Review status: criteria provided, single submitter. Criteria: NYGC Assertion Criteria 2020. Collection method: clinical testing. Allele origin: germline. Observed: 1 heterozygote. Study: CSER-NYCKidSeq.

Ambry Genetics
Classification: Likely benign for Inborn genetic diseases. Last evaluated: 2017-10-02. Review status: criteria provided, single submitter. Criteria: Ambry Variant Classification Scheme 2023. Collection method: clinical testing. Allele origin: germline.

NM_000744.7(CHRNA4):c.1538G>A (p.Arg513His)

Gene: CHRNA4 (cholinergic receptor nicotinic alpha 4 subunit; minus strand). Cytogenetic location: 20q13.33.
Variant type: single nucleotide variant.
Coding change: c.1538G>A on transcript NM_000744.7 (MANE Select); coding-DNA position 1538, G replaced by A.
Protein change: p.Arg513His; replaces arginine 513 with histidine.
Molecular consequence: missense variant. On other transcripts: non-coding transcript variant (1).
Genome position (GRCh38, 1-based): chr20:63,349,873, C>T on the plus strand (G>A on the coding strand, the complement: CHRNA4 is on the minus strand). VCF-style: chr20-63349873-C-T. GRCh37 (hg19) VCF-style: chr20-61981225-C-T.
Other names: c.1010G>A, p.Arg337His (NM_001256573.2); short protein forms R513H, R337H.
Identifiers: ClinVar variation 506637 (VCV000506637.22), dbSNP rs868845088, ClinGen allele CA317431838.